The following is an entry in ClinVar:

NM_003690.5(PRKRA):c.32C>T (p.Pro11Leu)

Gene: PRKRA (protein activator of interferon induced protein kinase EIF2AK2; minus strand). Cytogenetic location: 2q31.2.
Variant type: single nucleotide variant.
Coding change: c.32C>T on transcript NM_003690.5 (MANE Select); coding-DNA position 32, C replaced by T.
Protein change: p.Pro11Leu; replaces proline 11 with leucine.
Molecular consequence: missense variant. On other transcripts: 5 prime UTR variant (1).
Genome position (GRCh38, 1-based): chr2:178,450,999, G>A on the plus strand (C>T on the coding strand, the complement: PRKRA is on the minus strand). VCF-style: chr2-178450999-G-A. GRCh37 (hg19) VCF-style: chr2-179315726-G-A.
Other names: p.Pro11Leu; c.-418C>T (NM_001316362.2); short protein forms P11L.
Identifiers: ClinVar variation 332633 (VCV000332633.18), dbSNP rs62176112, ClinGen allele CA1984089.

ClinVar aggregate classification (germline): Benign/Likely benign. Review status: criteria provided, multiple submitters, no conflicts (2 of 4 stars). 5 submissions from 5 submitters: Benign (4); Likely benign (1). Last evaluated 2025-11-18.

Conditions:
Dystonia 16 (DYT16). Also called: DYT-PRKRA. Identifiers: Orphanet 210571, MedGen C2677567, MONDO:0012789, OMIM 612067.

Allele frequency attached by ClinVar (database versions not stated): gnomAD 0.00410; 1000 Genomes Project 30x 0.03732; 1000 Genomes Project 0.04573; gnomAD exomes 0.06224; ExAC 0.21506.

Submissions (5):

Mayo Clinic Laboratories, Mayo Clinic
Classification: Benign. Last evaluated: 2025-11-18. Review status: criteria provided, single submitter. Criteria: ACMG Guidelines, 2015. Collection method: clinical testing. Allele origin: germline. Observed: 72 variant alleles.
Comment: BA1, BS2, BP4

Labcorp Genetics (formerly Invitae), Labcorp
Classification: Benign for Dystonia 16. Last evaluated: 2024-02-17. Review status: criteria provided, single submitter. Criteria: Invitae Variant Classification Sherloc (09022015). Collection method: clinical testing. Allele origin: germline.

GeneDx
Classification: Benign. Last evaluated: 2018-07-05. Review status: criteria provided, single submitter. Criteria: GeneDx Variant Classification Process June 2021. Collection method: clinical testing. Allele origin: germline. Affected: yes.
Comment: This variant is associated with the following publications: (PMID: 30343897)

Illumina Laboratory Services, Illumina
Classification: Benign for Dystonia 16. Last evaluated: 2018-01-12. Review status: criteria provided, single submitter. Criteria: ICSL Variant Classification Criteria 13 December 2019. Collection method: clinical testing. Allele origin: germline.
Comment: This variant was observed in the ICSL laboratory as part of a predisposition screen in an ostensibly healthy population. It had not been previously curated by ICSL or reported in the Human Gene Mutation Database (HGMD: prior to June 1st, 2018), and was therefore a candidate for classification through an automated scoring system. Utilizing variant allele frequency, disease prevalence and penetrance estimates, and inheritance mode, an automated score was calculated to assess if this variant is too frequent to cause the disease. Based on the score and internal cut-off values, a variant classified as benign is not then subjected to further curation. The score for this variant resulted in a classification of benign for this disease.

Breakthrough Genomics
Classification: Likely benign. Review status: criteria provided, single submitter. Criteria: ACMG Guidelines, 2015. Collection method: not provided. Allele origin: germline. Inheritance: Autosomal recessive inheritance. Affected: yes.